The following is an entry in ClinVar:

ClinVar aggregate classification (germline): Conflicting classifications of pathogenicity. Review status: criteria provided, conflicting classifications (1 of 4 stars). 12 submissions from 12 submitters: Uncertain significance (8); Benign (1); Likely benign (2). 1 of the submissions does not count toward it. Last evaluated 2026-03-15.

Conditions:
SDHA-related disorder. Also called: SDHA-related disorders; SDHA-related condition.
Pheochromocytoma/paraganglioma syndrome 5. Also called: Paragangliomas 5; SDHA-Related Hereditary Paraganglioma-Pheochromocytoma Syndrome. Identifiers: Orphanet 29072, MedGen C3279992, MONDO:0013602, OMIM 614165.
Mitochondrial complex II deficiency, nuclear type 1. Also called: SUCCINATE CoQ REDUCTASE DEFICIENCY. Identifiers: Orphanet 3208, MedGen C5700310, MONDO:0100294, OMIM 252011.
Dilated cardiomyopathy 1GG (CMD1GG). Identifiers: Orphanet 154, MedGen C3150898, MONDO:0013339, OMIM 613642.
Neurodegeneration with ataxia and late-onset optic atrophy. Identifiers: MedGen C5543254, MONDO:0031006, OMIM 619259.
Hereditary cancer-predisposing syndrome. Also called: Neoplastic Syndromes, Hereditary; Hereditary neoplastic syndrome; Hereditary Cancer Syndrome; Tumor predisposition. Identifiers: Orphanet 140162, MedGen C0027672, MeSH D009386, MONDO:0015356.

Allele frequency attached by ClinVar (database versions not stated): gnomAD 0.00001; gnomAD exomes 0.00001 and 0.00002; ExAC 0.00002; TOPMed 0.00002.
gnomAD v4.1: 29 of 1,613,642 alleles (0.0018%); highest among the groups gnomAD compares: East Asian, 0.0045%; no homozygotes.

Submissions (12):

PreventionGenetics, part of Exact Sciences
Classification: Uncertain significance for SDHA-related condition. Last evaluated: 2026-03-15. Review status: criteria provided, single submitter. Criteria: ACMG Guidelines, 2015. Collection method: clinical testing. Allele origin: germline.
Comment: The SDHA c.92G>A variant is predicted to result in the amino acid substitution p.Arg31Gln. This variant has been reported as a likely germline variant in an individual with acute lymphoblastic leukemia (de Smith et al. 2016. PubMed ID: 27683039) and in another individual with bladder cancer (Supplementary Table S2, Wijetunga et al. 2024. PubMed ID: 39113632). This variant is reported in 0.022% of alleles in individuals of East Asian descent in gnomAD and has conflicting interpretations regarding its pathogenicity in ClinVar, ranging from benign to uncertain (Variation ID: 239687). Although we suspect that this variant may be benign, at this time, the clinical significance of this variant is uncertain due to the absence of conclusive functional and genetic evidence.

Labcorp Genetics (formerly Invitae), Labcorp
Classification: Benign for Pheochromocytoma/paraganglioma syndrome 5; Mitochondrial complex II deficiency, nuclear type 1. Last evaluated: 2026-01-31. Review status: criteria provided, single submitter. Criteria: Invitae Variant Classification Sherloc (09022015). Collection method: clinical testing. Allele origin: germline.

Quest Diagnostics Nichols Institute San Juan Capistrano
Classification: Uncertain significance. Last evaluated: 2025-11-07. Review status: criteria provided, single submitter. Criteria: Quest Diagnostics criteria. Collection method: clinical testing. Allele origin: unknown.
Comment: The SDHA c.92G>A (p.Arg31Gln) variant has been reported in the published literature as a likely germline variant in an individual with acute lymphoblastic leukemia (PMID: 27683039 (2016)). The frequency of this variant in the general population (Genome Aggregation Database) is uninformative in the assessment of its pathogenicity. Analysis of this variant using bioinformatics tools for the prediction of the effect of amino acid changes on protein structure and function yielded predictions that this variant is benign. Based on the available information, we are unable to determine the clinical significance of this variant.

Fulgent Genetics
Classification: Uncertain significance for Mitochondrial complex II deficiency, nuclear type 1; Dilated cardiomyopathy 1GG; Pheochromocytoma/paraganglioma syndrome 5; Neurodegeneration with ataxia and late-onset optic atrophy. Last evaluated: 2024-06-14. Review status: criteria provided, single submitter. Criteria: ACMG Guidelines, 2015. Collection method: clinical testing. Allele origin: germline.

Baylor Genetics
Classification: Uncertain significance for Dilated cardiomyopathy 1GG. Last evaluated: 2024-01-21. Review status: criteria provided, single submitter. Criteria: ACMG Guidelines, 2015. Collection method: clinical testing. Allele origin: unknown.

Blueprint Genetics
Classification: Likely benign. Last evaluated: 2023-08-29. Review status: criteria provided, single submitter. Criteria: ACMG Guidelines, 2015. Collection method: clinical testing. Allele origin: germline.

Myriad Genetics, Inc.
Classification: Uncertain significance for Pheochromocytoma/paraganglioma syndrome 5. Last evaluated: 2023-04-21. Review status: criteria provided, single submitter. Criteria: Myriad Autosomal Dominant, Autosomal Recessive and X-Linked Classification Criteria (2023). Collection method: clinical testing. Allele origin: unknown.
Comment: This variant is classified as a variant of uncertain significance as there is insufficient evidence to determine its impact on protein function and/or cancer risk.

Ambry Genetics
Classification: Likely benign for Hereditary cancer-predisposing syndrome. Last evaluated: 2023-02-01. Review status: criteria provided, single submitter. Criteria: Ambry Variant Classification Scheme 2023. Collection method: clinical testing. Allele origin: germline.

Sema4
Classification: Uncertain significance for Hereditary cancer-predisposing syndrome. Last evaluated: 2021-11-23. Review status: criteria provided, single submitter. Criteria: Sema4 Curation Guidelines. Collection method: curation. Allele origin: germline.
Comment: The SDHA c.92G>A (p.R31Q) variant has not been reported in the literature to our knowledge. It was observed in 4/18394 chromosomes of the East Asian subpopulation in the large and broad cohorts of the Genome Aggregation Database (PMID: 32461654). The variant has been reported in ClinVar (Variation ID: 239687). Functional studies have not been performed, and in silico predictions of the variant's effect on protein function are inconclusive. The evidence is insufficient to meet ACMG/AMP criteria for classifying the variant as benign or pathogenic. Thus, the clinical significance of this variant is currently uncertain.

Revvity Omics, Revvity
Classification: Uncertain significance. Last evaluated: 2021-04-16. Review status: criteria provided, single submitter. Criteria: ACMG Guidelines, 2015. Collection method: clinical testing. Allele origin: germline.

GeneDx
Classification: Uncertain significance. Last evaluated: 2021-03-09. Review status: criteria provided, single submitter. Criteria: GeneDx Variant Classification Process June 2021. Collection method: clinical testing. Allele origin: germline. Affected: yes.
Comment: In silico analysis, which includes protein predictors and evolutionary conservation, supports that this variant does not alter protein structure/function; Has not been previously published as pathogenic or benign to our knowledge; This variant is associated with the following publications: (PMID: 27683039)

Counsyl
Classification: Uncertain significance for Pheochromocytoma/paraganglioma syndrome 5. Last evaluated: 2016-03-25. Review status: no assertion criteria provided. Collection method: clinical testing. Allele origin: unknown. Not counted in ClinVar's aggregate classification.

Literature cited by the submitters: PubMed 27683039 (cited by Quest Diagnostics Nichols Institute San Juan Capistrano); PubMed 39113632 (cited by Quest Diagnostics Nichols Institute San Juan Capistrano).

NM_004168.4(SDHA):c.92G>A (p.Arg31Gln)

Gene: SDHA (succinate dehydrogenase complex flavoprotein subunit A; plus strand). Cytogenetic location: 5p15.33.
Variant type: single nucleotide variant.
Coding change: c.92G>A on transcript NM_004168.4 (MANE Select); coding-DNA position 92, G replaced by A.
Protein change: p.Arg31Gln; replaces arginine 31 with glutamine.
Molecular consequence: missense variant.
Genome position (GRCh38, 1-based): chr5:223,510, G>A. VCF-style: chr5-223510-G-A. GRCh37 (hg19) VCF-style: chr5-223625-G-A.
Other names: c.92G>A, p.Arg31Gln (NM_001294332.2, NM_001330758.2); short protein forms R31Q.
Identifiers: ClinVar variation 239687 (VCV000239687.35), dbSNP rs752532780, ClinGen allele CA3172716.